The following is an entry in ClinVar:

NM_001291303.3(FAT4):c.5906C>T (p.Thr1969Ile)

Gene: FAT4 (FAT atypical cadherin 4; plus strand). Cytogenetic location: 4q28.1.
Variant type: single nucleotide variant.
Coding change: c.5906C>T on transcript NM_001291303.3 (MANE Select); coding-DNA position 5906, C replaced by T.
Protein change: p.Thr1969Ile; replaces threonine 1969 with isoleucine.
Molecular consequence: missense variant.
Genome position (GRCh38, 1-based): chr4:125,408,780, C>T. VCF-style: chr4-125408780-C-T. GRCh37 (hg19) VCF-style: chr4-126329935-C-T.
Other names: c.5906C>T (NM_024582.5); c.5906C>T, p.Thr1969Ile (NM_001291285.3, NM_024582.6); short protein forms T1969I.
Identifiers: ClinVar variation 2442571 (VCV002442571.4), dbSNP rs1335737823, ClinGen allele CA358123830.

ClinVar aggregate classification (germline): Uncertain significance. Review status: criteria provided, multiple submitters, no conflicts (2 of 4 stars). 4 submissions from 4 submitters: Uncertain significance (4). Last evaluated 2025-09-13.

Conditions:
FAT4-related disorder. Also called: FAT4-related condition.
Van Maldergem syndrome 2 (VMLDS2). Identifiers: Orphanet 314679, MedGen C3809875, MONDO:0014242, OMIM 615546.
Hennekam lymphangiectasia-lymphedema syndrome 2 (HKLLS2). Identifiers: Orphanet 2136, MedGen C4014939, MONDO:0014454, OMIM 616006.

Allele frequency attached by ClinVar (database versions not stated): TOPMed 0.00001; gnomAD 0.00002.
gnomAD v4.1: 5 of 1,507,262 alleles (0.00033%); highest among the groups gnomAD compares: African/African-American, 0.007%; no homozygotes.

Submissions (4):

Labcorp Genetics (formerly Invitae), Labcorp
Classification: Uncertain significance. Last evaluated: 2025-09-13. Review status: criteria provided, single submitter. Criteria: Invitae Variant Classification Sherloc (09022015). Collection method: clinical testing. Allele origin: germline.
Comment: This sequence change replaces threonine, which is neutral and polar, with isoleucine, which is neutral and non-polar, at codon 1969 of the FAT4 protein (p.Thr1969Ile). This variant is present in population databases (no rsID available, gnomAD 0.02%). This variant has not been reported in the literature in individuals affected with FAT4-related conditions. ClinVar contains an entry for this variant (Variation ID: 2442571). Invitae Evidence Modeling of protein sequence and biophysical properties (such as structural, functional, and spatial information, amino acid conservation, physicochemical variation, residue mobility, and thermodynamic stability) indicates that this missense variant is not expected to disrupt FAT4 protein function with a negative predictive value of 80%. In summary, the available evidence is currently insufficient to determine the role of this variant in disease. Therefore, it has been classified as a Variant of Uncertain Significance.

PreventionGenetics, part of Exact Sciences
Classification: Uncertain significance for FAT4-related condition. Last evaluated: 2024-12-03. Review status: criteria provided, single submitter. Criteria: ACMG Guidelines, 2015. Collection method: clinical testing. Allele origin: germline.
Comment: The FAT4 c.5906C>T variant is predicted to result in the amino acid substitution p.Thr1969Ile. To our knowledge, this variant has not been reported in the literature. This variant is reported in 0.023% of alleles in individuals of African descent in gnomAD. At this time, the clinical significance of this variant is uncertain due to the absence of conclusive functional and genetic evidence.

Fulgent Genetics
Classification: Uncertain significance for Van Maldergem syndrome 2; Hennekam lymphangiectasia-lymphedema syndrome 2. Last evaluated: 2024-04-12. Review status: criteria provided, single submitter. Criteria: ACMG Guidelines, 2015. Collection method: clinical testing. Allele origin: germline.

GeneDx
Classification: Uncertain significance. Last evaluated: 2022-09-01. Review status: criteria provided, single submitter. Criteria: GeneDx Variant Classification Process June 2021. Collection method: clinical testing. Allele origin: germline. Affected: yes.
Comment: In silico analysis supports that this missense variant has a deleterious effect on protein structure/function; Has not been previously published as pathogenic or benign to our knowledge